The following is an entry in ClinVar:

NM_002772.3(TMPRSS15):c.2876A>C (p.Tyr959Ser)

Gene: TMPRSS15 (transmembrane serine protease 15; minus strand). Cytogenetic location: 21q21.1.
Variant type: single nucleotide variant.
Coding change: c.2876A>C on transcript NM_002772.3 (MANE Select); coding-DNA position 2876, A replaced by C.
Protein change: p.Tyr959Ser; replaces tyrosine 959 with serine.
Molecular consequence: missense variant.
Genome position (GRCh38, 1-based): chr21:18,275,225, T>G on the plus strand (A>C on the coding strand, the complement: TMPRSS15 is on the minus strand). VCF-style: chr21-18275225-T-G. GRCh37 (hg19) VCF-style: chr21-19647542-T-G.
Other names: c.3011A>C, p.Tyr1004Ser (NM_001428056.1); c.2876A>C, p.Tyr959Ser (NM_001428057.1); short protein forms Y959S, Y1004S.
Identifiers: ClinVar variation 3692465 (VCV003692465.2).
Genomic context (GRCh38, chr21:18,275,225, plus strand): 5'-AAAAGGTACAGTGAGCAGTTTTACATCTTTACCTGACAAGAATCTATTCCTCCTTCTTCA[T>G]AGCCTGCACATATCATATTTTCAGTAATGTTATATTCTGGCATCTGCTGTTGGCATCTCT-3'
Protein context (NP_002763.3, residues 949-969): NITENMICAG[Tyr959Ser]EEGGIDSCQG

ClinVar aggregate classification (germline): Uncertain significance (1 of 4 stars; one submission).

gnomAD v4.1: 4 of 1,614,094 alleles (0.00025%); highest among the groups gnomAD compares: Non-Finnish European, 0.00034%; no homozygotes.

Submission:

Labcorp Genetics (formerly Invitae), Labcorp
Classification: Uncertain significance. Last evaluated: 2024-05-31. Review status: criteria provided, single submitter. Criteria: Invitae Variant Classification Sherloc (09022015). Collection method: clinical testing. Allele origin: germline.
Comment: This sequence change replaces tyrosine, which is neutral and polar, with serine, which is neutral and polar, at codon 959 of the TMPRSS15 protein (p.Tyr959Ser). This variant is not present in population databases (gnomAD no frequency). This variant has not been reported in the literature in individuals affected with TMPRSS15-related conditions. An algorithm developed to predict the effect of missense changes on protein structure and function (PolyPhen-2) suggests that this variant is likely to be disruptive. In summary, the available evidence is currently insufficient to determine the role of this variant in disease. Therefore, it has been classified as a Variant of Uncertain Significance.